The following is an entry in ClinVar:

ClinVar aggregate classification (germline): Benign (1 of 4 stars; one submission).

Allele frequency attached by ClinVar (database versions not stated): gnomAD 0.75938 and 0.76249; TOPMed 0.78035; 1000 Genomes Project 0.78594; 1000 Genomes Project 30x 0.79091.

Submission:

GeneDx
Classification: Benign. Last evaluated: 2018-06-19. Review status: criteria provided, single submitter. Criteria: GeneDx Variant Classification (06012015). Collection method: clinical testing. Allele origin: germline. Affected: yes.
Comment: This variant is considered likely benign or benign based on one or more of the following criteria: it is a conservative change, it occurs at a poorly conserved position in the protein, it is predicted to be benign by multiple in silico algorithms, and/or has population frequency not consistent with disease.

NM_021939.4(FKBP10):c.1400-172A>G

Gene: FKBP10 (FKBP prolyl isomerase 10; plus strand). Cytogenetic location: 17q21.2.
Variant type: single nucleotide variant.
Coding change: c.1400-172A>G on transcript NM_021939.4 (MANE Select); 172 bases into the intron before coding-DNA position 1400, A replaced by G.
Molecular consequence: intron variant.
Genome position (GRCh38, 1-based): chr17:41,821,482, A>G. VCF-style: chr17-41821482-A-G. GRCh37 (hg19) VCF-style: chr17-39977734-A-G.
Identifiers: ClinVar variation 682715 (VCV000682715.1), dbSNP rs8073219, ClinGen allele CA14402029.
Genomic context (GRCh38, chr17:41,821,482, plus strand): 5'-CCGAGACCGTAATCTGACTGGCATCTGTCCCTTTTGCTCCTGCCCACTGTGGGTCTGATG[A>G]CTGGTGGGAGGAGTCAGGAATGCCTTCAGGATGGCTCCTTAAACATCCCATGCCCCACTC-3'